The following is an entry in ClinVar:

ClinVar aggregate classification (germline): Uncertain significance. Review status: criteria provided, multiple submitters, no conflicts (2 of 4 stars). 3 submissions from 3 submitters: Uncertain significance (3). Last evaluated 2025-05-20.

Conditions:
Inborn genetic diseases. Identifiers: MedGen C0950123, MeSH D030342.

Allele frequency attached by ClinVar (database versions not stated): ExAC 0.00003; gnomAD exomes 0.00005; 1000 Genomes Project 30x 0.00016; 1000 Genomes Project 0.00020.
gnomAD v4.1: 58 of 1,613,650 alleles (0.0036%); highest among the groups gnomAD compares: Middle Eastern, 0.05%; no homozygotes.

Submissions (3):

Ambry Genetics
Classification: Uncertain significance for Inborn genetic diseases. Last evaluated: 2025-05-20. Review status: criteria provided, single submitter. Criteria: Ambry Variant Classification Scheme 2023. Collection method: clinical testing. Allele origin: germline.

Blueprint Genetics
Classification: Uncertain significance. Last evaluated: 2024-08-06. Review status: criteria provided, single submitter. Criteria: ACMG Guidelines, 2015. Collection method: clinical testing. Allele origin: germline.

Labcorp Genetics (formerly Invitae), Labcorp
Classification: Uncertain significance. Last evaluated: 2022-06-20. Review status: criteria provided, single submitter. Criteria: Invitae Variant Classification Sherloc (09022015). Collection method: clinical testing. Allele origin: germline.
Comment: This sequence change replaces serine, which is neutral and polar, with asparagine, which is neutral and polar, at codon 1188 of the MAPKBP1 protein (p.Ser1188Asn). This variant is present in population databases (rs544119194, gnomAD 0.01%). This variant has not been reported in the literature in individuals affected with MAPKBP1-related conditions. Algorithms developed to predict the effect of missense changes on protein structure and function (SIFT, PolyPhen-2, Align-GVGD) all suggest that this variant is likely to be tolerated. In summary, the available evidence is currently insufficient to determine the role of this variant in disease. Therefore, it has been classified as a Variant of Uncertain Significance.

NM_014994.3(MAPKBP1):c.3545G>A (p.Ser1182Asn)

Gene: MAPKBP1 (mitogen-activated protein kinase binding protein 1; plus strand). Cytogenetic location: 15q15.1.
Variant type: single nucleotide variant.
Coding change: c.3545G>A on transcript NM_014994.3 (MANE Select); coding-DNA position 3545, G replaced by A.
Protein change: p.Ser1182Asn; replaces serine 1182 with asparagine.
Molecular consequence: missense variant. On other transcripts: non-coding transcript variant (2), intron variant (1).
Genome position (GRCh38, 1-based): chr15:41,823,169, G>A. VCF-style: chr15-41823169-G-A. GRCh37 (hg19) VCF-style: chr15-42115367-G-A.
Other names: c.3563G>A, p.Ser1188Asn (NM_001128608.2); c.3382+163G>A (NM_001265611.2); c.3563G>A (NM_001128608.1); short protein forms S1182N, S1188N.
Identifiers: ClinVar variation 1484352 (VCV001484352.8), dbSNP rs544119194, ClinGen allele CA7498600.